The following is an entry in ClinVar:

NM_001099274.3(TINF2):c.757C>G (p.Leu253Val)

Gene: TINF2 (TERF1 interacting nuclear factor 2; minus strand). Cytogenetic location: 14q12.
Variant type: single nucleotide variant.
Coding change: c.757C>G on transcript NM_001099274.3 (MANE Select); coding-DNA position 757, C replaced by G.
Protein change: p.Leu253Val; replaces leucine 253 with valine.
Molecular consequence: missense variant.
Genome position (GRCh38, 1-based): chr14:24,240,723, G>C on the plus strand (C>G on the coding strand, the complement: TINF2 is on the minus strand). VCF-style: chr14-24240723-G-C. GRCh37 (hg19) VCF-style: chr14-24709929-G-C.
Other names: c.652C>G, p.Leu218Val (NM_001363668.2); c.757C>G, p.Leu253Val (NM_012461.3); short protein forms L253V, L218V.
Identifiers: ClinVar variation 2169691 (VCV002169691.4), dbSNP rs746642057, ClinGen allele CA7130565.

ClinVar aggregate classification (germline): Uncertain significance (1 of 4 stars; one submission).

Conditions:
Dyskeratosis congenita. Identifiers: Orphanet 1775, MedGen C0265965, MONDO:0015780.

Allele frequency attached by ClinVar (database versions not stated): TOPMed below 0.00001; ExAC 0.00001; gnomAD exomes 0.00001.
gnomAD v4.1: 9 of 1,613,642 alleles (0.00056%); highest among the groups gnomAD compares: Non-Finnish European, 0.00076%; no homozygotes.

Submission:

Labcorp Genetics (formerly Invitae), Labcorp
Classification: Uncertain significance for Dyskeratosis congenita. Last evaluated: 2022-05-15. Review status: criteria provided, single submitter. Criteria: Invitae Variant Classification Sherloc (09022015). Collection method: clinical testing. Allele origin: germline.
Comment: In summary, the available evidence is currently insufficient to determine the role of this variant in disease. Therefore, it has been classified as a Variant of Uncertain Significance. Algorithms developed to predict the effect of missense changes on protein structure and function output the following: SIFT: "Tolerated"; PolyPhen-2: "Possibly Damaging"; Align-GVGD: "Class C0". The valine amino acid residue is found in multiple mammalian species, which suggests that this missense change does not adversely affect protein function. This sequence change replaces leucine, which is neutral and non-polar, with valine, which is neutral and non-polar, at codon 253 of the TINF2 protein (p.Leu253Val). This variant is present in population databases (rs746642057, gnomAD 0.003%). This variant has not been reported in the literature in individuals affected with TINF2-related conditions.